The following is an entry in ClinVar:

NM_001844.5(COL2A1):c.3925G>C (p.Asp1309His)

Gene: COL2A1 (collagen type II alpha 1 chain; minus strand). Cytogenetic location: 12q13.11.
Variant type: single nucleotide variant.
Coding change: c.3925G>C on transcript NM_001844.5 (MANE Select); coding-DNA position 3925, G replaced by C.
Protein change: p.Asp1309His; replaces aspartic acid 1309 with histidine.
Molecular consequence: missense variant.
Genome position (GRCh38, 1-based): chr12:47,974,824, C>G on the plus strand (G>C on the coding strand, the complement: COL2A1 is on the minus strand). VCF-style: chr12-47974824-C-G. GRCh37 (hg19) VCF-style: chr12-48368607-C-G.
Other names: c.3718G>C, p.Asp1240His (NM_033150.3); short protein forms D1309H, D1240H.
Identifiers: ClinVar variation 2836660 (VCV002836660.3), dbSNP rs2540097718, ClinGen allele CA384536054.

ClinVar aggregate classification (germline): Pathogenic (1 of 4 stars; one submission).

Submission:

Labcorp Genetics (formerly Invitae), Labcorp
Classification: Pathogenic. Last evaluated: 2025-01-27. Review status: criteria provided, single submitter. Criteria: Invitae Variant Classification Sherloc (09022015). Collection method: clinical testing. Allele origin: germline.
Comment: This sequence change replaces aspartic acid, which is acidic and polar, with histidine, which is basic and polar, at codon 1309 of the COL2A1 protein (p.Asp1309His). This variant is not present in population databases (gnomAD no frequency). This missense change has been observed in individual(s) with spondyloepiphyseal dysplasia tarda (internal data). It has also been observed to segregate with disease in related individuals. ClinVar contains an entry for this variant (Variation ID: 2836660). Invitae Evidence Modeling of protein sequence and biophysical properties (such as structural, functional, and spatial information, amino acid conservation, physicochemical variation, residue mobility, and thermodynamic stability) indicates that this missense variant is expected to disrupt COL2A1 protein function with a positive predictive value of 95%. This variant disrupts the p.Asp1309 amino acid residue in COL2A1. Other variant(s) that disrupt this residue have been determined to be pathogenic (internal data). This suggests that this residue is clinically significant, and that variants that disrupt this residue are likely to be disease-causing. For these reasons, this variant has been classified as Pathogenic.